The following is an entry in ClinVar:

NM_003289.4(TPM2):c.269G>A (p.Arg90His)

Gene: TPM2 (tropomyosin 2; minus strand). Cytogenetic location: 9p13.3.
Variant type: single nucleotide variant.
Coding change: c.269G>A on transcript NM_003289.4 (MANE Select); coding-DNA position 269, G replaced by A.
Protein change: p.Arg90His; replaces arginine 90 with histidine.
Molecular consequence: missense variant.
Genome position (GRCh38, 1-based): chr9:35,685,752, C>T on the plus strand (G>A on the coding strand, the complement: TPM2 is on the minus strand). VCF-style: chr9-35685752-C-T. GRCh37 (hg19) VCF-style: chr9-35685749-C-T.
Other names: c.269G>A, p.Arg90His (NM_001301226.2, NM_001301227.2, NM_213674.1); short protein forms R90H.
Identifiers: ClinVar variation 617588 (VCV000617588.2), dbSNP rs1563929454, ClinGen allele CA373368501.

ClinVar aggregate classification (germline): Conflicting classifications of pathogenicity. Review status: criteria provided, conflicting classifications (1 of 4 stars). 2 submissions from 2 submitters: Likely pathogenic (1); Uncertain significance (1). Last evaluated 2025-12-11.

Conditions:
Congenital myopathy 23 (CMYO23). Also called: NEMALINE MYOPATHY 4; Nemaline myopathy 4, autosomal dominant; CAP MYOPATHY 2. Identifiers: MedGen C1836447, MONDO:0012240, OMIM 609285.
Arthrogryposis, distal, type 1A. Also called: ARTHROGRYPOSIS MULTIPLEX CONGENITA, DISTAL, TYPE I. Identifiers: Orphanet 1146, MedGen C6022280, MONDO:0007157, OMIM 108120.

Allele frequency attached by ClinVar (database versions not stated): gnomAD exomes below 0.00001.
gnomAD v4.1: 1 of 1,614,196 alleles (0.000062%); highest among the groups gnomAD compares: Non-Finnish European, 0.000085%; no homozygotes.

Submissions (2):

Labcorp Genetics (formerly Invitae), Labcorp
Classification: Uncertain significance for Arthrogryposis, distal, type 1A. Last evaluated: 2025-12-11. Review status: criteria provided, single submitter. Criteria: Invitae Variant Classification Sherloc (09022015). Collection method: clinical testing. Allele origin: germline.
Comment: This sequence change replaces arginine, which is basic and polar, with histidine, which is basic and polar, at codon 90 of the TPM2 protein (p.Arg90His). This variant is not present in population databases (gnomAD no frequency). This missense change has been observed in individual(s) with nemaline myopathy (PMID: 35579956). ClinVar contains an entry for this variant (Variation ID: 617588). Invitae Evidence Modeling of protein sequence and biophysical properties (such as structural, functional, and spatial information, amino acid conservation, physicochemical variation, residue mobility, and thermodynamic stability) indicates that this missense variant is expected to disrupt TPM2 protein function with a positive predictive value of 80%. In summary, the available evidence is currently insufficient to determine the role of this variant in disease. Therefore, it has been classified as a Variant of Uncertain Significance.

NeuroMeGen, Hospital Clinico Santiago de Compostela
Classification: Likely pathogenic for Congenital myopathy 23. Last evaluated: 2018-10-08. Review status: criteria provided, single submitter. Criteria: ACMG Guidelines, 2015. Collection method: clinical testing. Allele origin: maternal. Affected: yes. Observed: 1 heterozygote.

Literature cited by the submitters: PubMed 35579956 (cited by Labcorp Genetics (formerly Invitae), Labcorp).